The following is an entry in ClinVar:

ClinVar aggregate classification (germline): Uncertain significance (1 of 4 stars; one submission).

Conditions:
Progressive microcephaly-seizures-cortical blindness-developmental delay syndrome. Also called: Seizures, cortical blindness, and microcephaly syndrome. Identifiers: Orphanet 477814, MedGen C5567650, MONDO:0014714, OMIM 616632.
Autosomal dominant nonsyndromic hearing loss 1. Also called: KONIGSMARK SYNDROME; DEAFNESS, AUTOSOMAL DOMINANT 1, WITH OR WITHOUT THROMBOCYTOPENIA. Identifiers: Orphanet 90635, MedGen C1852282, MONDO:0007424, OMIM 124900.

Allele frequency attached by ClinVar (database versions not stated): TOPMed below 0.00001.

Submission:

Labcorp Genetics (formerly Invitae), Labcorp
Classification: Uncertain significance for Progressive microcephaly-seizures-cortical blindness-developmental delay syndrome; Autosomal dominant nonsyndromic hearing loss 1. Last evaluated: 2024-01-28. Review status: criteria provided, single submitter. Criteria: Invitae Variant Classification Sherloc (09022015). Collection method: clinical testing. Allele origin: germline.
Comment: This sequence change replaces proline, which is neutral and non-polar, with histidine, which is basic and polar, at codon 643 of the DIAPH1 protein (p.Pro643His). This variant is not present in population databases (gnomAD no frequency). This variant has not been reported in the literature in individuals affected with DIAPH1-related conditions. Experimental studies and prediction algorithms are not available or were not evaluated, and the functional significance of this variant is currently unknown. In summary, the available evidence is currently insufficient to determine the role of this variant in disease. Therefore, it has been classified as a Variant of Uncertain Significance.

NM_005219.5(DIAPH1):c.1928C>A (p.Pro643His)

Gene: DIAPH1 (diaphanous related formin 1; minus strand). Cytogenetic location: 5q31.3.
Variant type: single nucleotide variant.
Coding change: c.1928C>A on transcript NM_005219.5 (MANE Select); coding-DNA position 1928, C replaced by A.
Protein change: p.Pro643His; replaces proline 643 with histidine.
Molecular consequence: missense variant.
Genome position (GRCh38, 1-based): chr5:141,573,922, G>T on the plus strand (C>A on the coding strand, the complement: DIAPH1 is on the minus strand). VCF-style: chr5-141573922-G-T. GRCh37 (hg19) VCF-style: chr5-140953489-G-T.
Other names: c.1901C>A, p.Pro634His (NM_001079812.3); c.1928C>A, p.Pro643His (NM_001314007.2); short protein forms P643H, P634H.
Identifiers: ClinVar variation 2938571 (VCV002938571.3), dbSNP rs746803459, ClinGen allele CA361519992.